The following is an entry in ClinVar:

NM_014319.5(LEMD3):c.964G>A (p.Ala322Thr)

Gene: LEMD3 (LEM domain containing 3; plus strand). Cytogenetic location: 12q14.3.
Variant type: single nucleotide variant.
Coding change: c.964G>A on transcript NM_014319.5 (MANE Select); coding-DNA position 964, G replaced by A.
Protein change: p.Ala322Thr; replaces alanine 322 with threonine.
Molecular consequence: missense variant.
Genome position (GRCh38, 1-based): chr12:65,170,560, G>A. VCF-style: chr12-65170560-G-A. GRCh37 (hg19) VCF-style: chr12-65564340-G-A.
Other names: c.964G>A, p.Ala322Thr (NM_001167614.2); short protein forms A322T.
Identifiers: ClinVar variation 4692163 (VCV004692163.1).

ClinVar aggregate classification (germline): Uncertain significance (1 of 4 stars; one submission).

gnomAD v4.1: 35 of 1,614,012 alleles (0.0022%); highest among the groups gnomAD compares: African/African-American, 0.013%; no homozygotes.

Submission:

Labcorp Genetics (formerly Invitae), Labcorp
Classification: Uncertain significance. Last evaluated: 2025-05-11. Review status: criteria provided, single submitter. Criteria: Invitae Variant Classification Sherloc (09022015). Collection method: clinical testing. Allele origin: germline.
Comment: This sequence change replaces alanine, which is neutral and non-polar, with threonine, which is neutral and polar, at codon 322 of the LEMD3 protein (p.Ala322Thr). This variant is present in population databases (rs755407121, gnomAD 0.01%). This variant has not been reported in the literature in individuals affected with LEMD3-related conditions. Invitae Evidence Modeling of protein sequence and biophysical properties (such as structural, functional, and spatial information, amino acid conservation, physicochemical variation, residue mobility, and thermodynamic stability) indicates that this missense variant is not expected to disrupt LEMD3 protein function with a negative predictive value of 80%. In summary, the available evidence is currently insufficient to determine the role of this variant in disease. Therefore, it has been classified as a Variant of Uncertain Significance.